The following is an entry in ClinVar:

ClinVar aggregate classification (germline): Uncertain significance (1 of 4 stars; one submission).

Conditions:
Congenital myopathy 4B, autosomal recessive. Also called: Nemaline myopathy 1, autosomal dominant or recessive. Identifiers: Orphanet 171433, Orphanet 171439, Orphanet 171881, MedGen C5829889, MONDO:0012239, OMIM 609284.
Congenital myopathy with fiber type disproportion. Also called: Congenital fiber-type disproportion; Congenital fiber-type disproportion myopathy. Identifiers: Orphanet 2020, MedGen C0546264, MONDO:0009711. Inheritance: all.

Submission:

Labcorp Genetics (formerly Invitae), Labcorp
Classification: Uncertain significance for Congenital myopathy with fiber type disproportion; Congenital myopathy 4B, autosomal recessive. Last evaluated: 2024-05-06. Review status: criteria provided, single submitter. Criteria: Invitae Variant Classification Sherloc (09022015). Collection method: clinical testing. Allele origin: germline.
Comment: This sequence change falls in intron 2 of the TPM3 gene. It does not directly change the encoded amino acid sequence of the TPM3 protein. It affects a nucleotide within the consensus splice site. This variant is present in population databases (no rsID available, gnomAD 0.0009%). This variant has not been reported in the literature in individuals affected with TPM3-related conditions. Variants that disrupt the consensus splice site are a relatively common cause of aberrant splicing (PMID: 17576681, 9536098). Algorithms developed to predict the effect of sequence changes on RNA splicing suggest that this variant may disrupt the consensus splice site. In summary, the available evidence is currently insufficient to determine the role of this variant in disease. Therefore, it has been classified as a Variant of Uncertain Significance.

Literature cited by the submitters: PubMed 17576681; PubMed 9536098.

NM_152263.4(TPM3):c.243+3_243+6del

Gene: TPM3 (tropomyosin 3; minus strand). Cytogenetic location: 1q21.3.
Variant type: Deletion.
Coding change: c.243+3_243+6del on transcript NM_152263.4 (MANE Select); bases 3 to 6 of the intron after coding-DNA position 243, 4 bases deleted (GAGT; older notation c.243+3_243+6delGAGT).
Molecular consequence: splice donor variant.
Genome position (GRCh38, 1-based): chr1:154,191,180-154,191,183, ACTC deleted on the plus strand (GAGT on the coding strand, the reverse complement: TPM3 is on the minus strand); deleting any 4 consecutive bases within chr1:154,191,180-154,191,185 gives the same sequence; the c. name uses the placement nearest the transcript's 3' end. VCF-style (leftmost placement, unchanged base first): chr1-154191179-TACTC-T. GRCh37 (hg19) VCF-style: chr1-154163655-TACTC-T.
Other names: c.243+3_243+6del (NM_001364679.2, NM_001364681.2, NM_001364680.2 and 1 more transcripts).
Identifiers: ClinVar variation 3751131 (VCV003751131.2).